The following is an entry in ClinVar:

NM_006231.4(POLE):c.5036G>C (p.Arg1679Pro)

Gene: POLE (DNA polymerase epsilon, catalytic subunit; minus strand). Cytogenetic location: 12q24.33.
Variant type: single nucleotide variant.
Coding change: c.5036G>C on transcript NM_006231.4 (MANE Select); coding-DNA position 5036, G replaced by C.
Protein change: p.Arg1679Pro; replaces arginine 1679 with proline.
Molecular consequence: missense variant.
Genome position (GRCh38, 1-based): chr12:132,642,314, C>G on the plus strand (G>C on the coding strand, the complement: POLE is on the minus strand). VCF-style: chr12-132642314-C-G. GRCh37 (hg19) VCF-style: chr12-133218900-C-G.
Other names: short protein forms R1679P.
Identifiers: ClinVar variation 943457 (VCV000943457.13), dbSNP rs748940418, ClinGen allele CA387377244.

ClinVar aggregate classification (germline): Uncertain significance. Review status: criteria provided, multiple submitters, no conflicts (2 of 4 stars). 2 submissions from 2 submitters: Uncertain significance (2). Last evaluated 2025-07-07.

Conditions:
Hereditary cancer-predisposing syndrome. Also called: Neoplastic Syndromes, Hereditary; Hereditary Cancer Syndrome; Tumor predisposition; Hereditary neoplastic syndrome. Identifiers: Orphanet 140162, MedGen C0027672, MeSH D009386, MONDO:0015356.

Submissions (2):

Ambry Genetics
Classification: Uncertain significance for Hereditary cancer-predisposing syndrome. Last evaluated: 2025-07-07. Review status: criteria provided, single submitter. Criteria: Ambry Variant Classification Scheme 2023. Collection method: clinical testing. Allele origin: germline.
Comment: The p.R1679P variant (also known as c.5036G>C), located in coding exon 38 of the POLE gene, results from a G to C substitution at nucleotide position 5036. The arginine at codon 1679 is replaced by proline, an amino acid with dissimilar properties. This amino acid position is conserved. In addition, the in silico prediction for this alteration is inconclusive. Based on the available evidence, the clinical significance of this variant remains unclear.

Labcorp Genetics (formerly Invitae), Labcorp
Classification: Uncertain significance. Last evaluated: 2024-02-01. Review status: criteria provided, single submitter. Criteria: Invitae Variant Classification Sherloc (09022015). Collection method: clinical testing. Allele origin: germline.
Comment: This sequence change replaces arginine, which is basic and polar, with proline, which is neutral and non-polar, at codon 1679 of the POLE protein (p.Arg1679Pro). This variant is not present in population databases (gnomAD no frequency). This variant has not been reported in the literature in individuals affected with POLE-related conditions. ClinVar contains an entry for this variant (Variation ID: 943457). Advanced modeling of protein sequence and biophysical properties (such as structural, functional, and spatial information, amino acid conservation, physicochemical variation, residue mobility, and thermodynamic stability) performed at Invitae indicates that this missense variant is not expected to disrupt POLE protein function with a negative predictive value of 80%. In summary, the available evidence is currently insufficient to determine the role of this variant in disease. Therefore, it has been classified as a Variant of Uncertain Significance.